The following is an entry in ClinVar:

ClinVar aggregate classification (germline): Uncertain significance (1 of 4 stars; one submission).

Submission:

Ambry Genetics
Classification: Uncertain significance. Last evaluated: 2026-03-24. Review status: criteria provided, single submitter. Criteria: Ambry Variant Classification Scheme 2023. Collection method: clinical testing. Allele origin: germline.
Comment: The p.T646P variant (also known as c.1936A>C), located in coding exon 1 of the TET2 gene, results from an A to C substitution at nucleotide position 1936. The threonine at codon 646 is replaced by proline, an amino acid with highly similar properties. This amino acid position is conserved. In addition, this alteration is predicted to be tolerated by in silico analysis. Based on the available evidence, the clinical significance of this variant remains unclear.

NM_001127208.3(TET2):c.1936A>C (p.Thr646Pro)

Genes: TET2 (tet methylcytosine dioxygenase 2; plus strand), TET2-AS1 (TET2 antisense RNA 1; minus strand). Cytogenetic location: 4q24.
Variant type: single nucleotide variant.
Coding change: c.1936A>C on transcript NM_001127208.3 (MANE Select); coding-DNA position 1936, A replaced by C.
Protein change: p.Thr646Pro; replaces threonine 646 with proline.
Molecular consequence: missense variant.
Genome position (GRCh38, 1-based): chr4:105,235,878, A>C. VCF-style: chr4-105235878-A-C. GRCh37 (hg19) VCF-style: chr4-106157035-A-C.
Other names: c.1936A>C, p.Thr646Pro (NM_017628.4); short protein forms T646P.
Identifiers: ClinVar variation 4865510 (VCV004865510.1).